The following is an entry in ClinVar:

ClinVar aggregate classification (germline): Uncertain significance (1 of 4 stars; one submission).

Conditions:
Cone-rod dystrophy 6 (CORD6). Also called: RETINAL CONE DYSTROPHY 2; Cone dystrophy progressive. Identifiers: Orphanet 1872, MedGen C1866293, MONDO:0011143, OMIM 601777.
Leber congenital amaurosis 1 (LCA1). Also called: RETINAL BLINDNESS, CONGENITAL; AMAUROSIS CONGENITA OF LEBER I; Congenital absence of the rods and cones; Leber's congenital tapetoretinal degeneration; Leber's congenital tapetoretinal dysplasia. Identifiers: Orphanet 65, MedGen C2931258, MONDO:0008764, OMIM 204000.

gnomAD v4.1: 3 of 1,614,036 alleles (0.00019%); highest among the groups gnomAD compares: Admixed American, 0.0033%; no homozygotes.

Submission:

Labcorp Genetics (formerly Invitae), Labcorp
Classification: Uncertain significance for Leber congenital amaurosis 1; Cone-rod dystrophy 6. Last evaluated: 2024-04-10. Review status: criteria provided, single submitter. Criteria: Invitae Variant Classification Sherloc (09022015). Collection method: clinical testing. Allele origin: germline.
Comment: This sequence change replaces valine, which is neutral and non-polar, with alanine, which is neutral and non-polar, at codon 617 of the GUCY2D protein (p.Val617Ala). This variant is present in population databases (no rsID available, gnomAD 0.003%). This variant has not been reported in the literature in individuals affected with GUCY2D-related conditions. Advanced modeling of protein sequence and biophysical properties (such as structural, functional, and spatial information, amino acid conservation, physicochemical variation, residue mobility, and thermodynamic stability) performed at Invitae indicates that this missense variant is not expected to disrupt GUCY2D protein function with a negative predictive value of 80%. In summary, the available evidence is currently insufficient to determine the role of this variant in disease. Therefore, it has been classified as a Variant of Uncertain Significance.

NM_000180.4(GUCY2D):c.1850T>C (p.Val617Ala)

Gene: GUCY2D (guanylate cyclase 2D, retinal; plus strand). Cytogenetic location: 17p13.1.
Variant type: single nucleotide variant.
Coding change: c.1850T>C on transcript NM_000180.4 (MANE Select); coding-DNA position 1850, T replaced by C.
Protein change: p.Val617Ala; replaces valine 617 with alanine.
Molecular consequence: missense variant.
Genome position (GRCh38, 1-based): chr17:8,012,244, T>C. VCF-style: chr17-8012244-T-C. GRCh37 (hg19) VCF-style: chr17-7915562-T-C.
Other names: short protein forms V617A.
Identifiers: ClinVar variation 3749566 (VCV003749566.2).
Genomic context (GRCh38, chr17:8,012,244, plus strand): 5'-GGCTTTTCCTGGCTCGGGGAGCAGAAGGCCCTGCGGCCCTCTGGGAGGGCAACCTGGCTG[T>C]GGTCTCAGAGCACTGCACGCGGGGCTCTCTTCAGGACCTCCTCGCTCAGAGAGAAATAAA-3'
Protein context (NP_000171.1, residues 607-627): PAALWEGNLA[Val617Ala]VSEHCTRGSL